The following is an entry in ClinVar:

ClinVar aggregate classification (germline): Uncertain significance (1 of 4 stars; one submission).

Conditions:
Dilated cardiomyopathy 1O (CMD1O). Also called: CARDIOMYOPATHY, DILATED, WITH VENTRICULAR TACHYCARDIA. Identifiers: Orphanet 154, MedGen C1837839, MONDO:0012062, OMIM 608569.

Submission:

Labcorp Genetics (formerly Invitae), Labcorp
Classification: Uncertain significance for Dilated cardiomyopathy 1O. Last evaluated: 2023-03-07. Review status: criteria provided, single submitter. Criteria: Invitae Variant Classification Sherloc (09022015). Collection method: clinical testing. Allele origin: unknown.
Comment: In summary, the available evidence is currently insufficient to determine the role of this variant in disease. Therefore, it has been classified as a Variant of Uncertain Significance. This variant has not been reported in the literature in individuals affected with ABCC9-related conditions. This variant is a gross deletion of the genomic region encompassing exon(s) 13-33 of the ABCC9 gene. This deletion is out-of-frame, and is expected to create a premature translational stop signal and result in an absent or disrupted protein product. However, the current clinical and genetic evidence is not sufficient to establish whether loss-of-function variants in ABCC9 cause disease.

NC_000012.11:g.(?_21967558)_(22040888_?)del

Gene: ABCC9 (ATP binding cassette subfamily C member 9; minus strand). Cytogenetic location: 12p12.1.
Variant type: Deletion.
Identifiers: ClinVar variation 3244303 (VCV003244303.1).